The following is an entry in ClinVar:

ClinVar aggregate classification (germline): Pathogenic. Review status: reviewed by expert panel (3 of 4 stars). 6 submissions from 6 submitters: Pathogenic (1). 5 of the submissions do not count toward it. Last evaluated 2026-07-10.

Conditions:
Glycogen storage disease, type II (IOPD). Also called: GLYCOGENOSIS, GENERALIZED, CARDIAC FORM; GSD II; POMPE DISEASE, INFANTILE-ONSET; GLYCOGEN STORAGE DISEASE II, INFANTILE-ONSET; ACID ALPHA-GLUCOSIDASE DEFICIENCY, INFANTILE-ONSET; GAA DEFICIENCY, INFANTILE-ONSET. Identifiers: Orphanet 365, MedGen C0017921, MONDO:0009290, OMIM 232300.

Submissions (6):

ClinGen Lysosomal Storage Disorder Variant Curation Expert Panel
Classification: Pathogenic for Glycogen storage disease, type II. Last evaluated: 2026-07-10. Review status: reviewed by expert panel. Criteria: clingen_lsd_acmg_specifications_v2-1. Collection method: curation. Allele origin: germline. Inheritance: Autosomal recessive inheritance.
Comment: NM_000152.5(GAA):c.2219_2220del (p.Val740GlyfsTer?) variant in GAA is a frameshift variant predicted to cause a premature stop codon in biologically-relevant-exon 17/20, leading to nonsense mediated decay in a gene in which loss-of-function is an established disease mechanism (PVS1). The variant is absent in gnomAD v4.1.0 (PM2_Supporting). At least 4 patients with findings consistent with Pompe disease have been reported with this variant (PMID: 33073003, 25139343, 32248831, 25712382). GAA activity was reported for 3 patients and was deficient (PMID: 33073003, 25139343, 25712382), all 4 patients were treated with enzyme replacement therapy (PMID: 33073003, 25139343, 32248831, 25712382) (PP4_Moderate). At least two patients are compound heterozygous for the variant and c.32-13T>G (Pathogenic by ClinGen LD VCEP), the first confirmed in trans (PMID: 35123877, patient with LOPD), 1 point, and the second phase unconfirmed (PMID: 25712382, patient with adult onset Pompe), 0.5 points. One patient with IOPD is heterozygous for the variant and c.307T>G, p.C103G (Pathogenic by ClinGen LD VCEP, PMID: 25139343, phase unconfirmed), 0.5 points. Total 2 points (PM3_Strong). There is a ClinVar entry for this variant (Variation ID: 917665). In summary, this variant meets the criteria to be classified as pathogenic for Pompe disease. GAA-specific ACMG/AMP criteria met, as specified by the ClinGen Lysosomal Diseases Variant Curation Expert Panel (Specifications Version 2.0): PVS1, PM3_Strong, PP4_Moderate, PM2_Supporting. (Classification approved by the ClinGen Lysosomal Diseases Variant Curation Expert Panel on July 10, 2026)

Genomenon, Inc
Classification: Pathogenic for Glycogen storage disease, type II. Last evaluated: 2026-07-01. Review status: criteria provided, single submitter. Criteria: Genomenon Sequence Variant Interpretation Standards - Updated. Collection method: curation. Allele origin: germline. Affected: yes. Not counted in ClinVar's aggregate classification.
Comment: GAA p.Val740GlyfsTer55 (c.2219_2220del) is a frameshift variant that is predicted to introduce a premature termination codon and result in a truncated or absent protein product. This variant has been observed in at least one proband with a GAA-related disorder (PMID:34734785;33073003;32248831;31899940;24158270;25783438;21179524;18285536). It is absent or not present at a significant frequency in gnomAD. In conclusion, we classify GAA p.Val740GlyfsTer55 (c.2219_2220del) as a pathogenic variant.

Labcorp Genetics (formerly Invitae), Labcorp
Classification: Pathogenic for Glycogen storage disease, type II. Last evaluated: 2023-02-14. Review status: criteria provided, single submitter. Criteria: Invitae Variant Classification Sherloc (09022015). Collection method: clinical testing. Allele origin: germline. Not counted in ClinVar's aggregate classification.
Comment: This sequence change creates a premature translational stop signal (p.Val740Glyfs*55) in the GAA gene. It is expected to result in an absent or disrupted protein product. Loss-of-function variants in GAA are known to be pathogenic (PMID: 18425781, 22252923). For these reasons, this variant has been classified as Pathogenic. This premature translational stop signal has been observed in individual(s) with glycogen storage disease type II (PMID: 16917947). This variant is not present in population databases (gnomAD no frequency).

Fulgent Genetics
Classification: Pathogenic for Glycogen storage disease, type II. Last evaluated: 2021-09-24. Review status: criteria provided, single submitter. Criteria: ACMG Guidelines, 2015. Collection method: clinical testing. Allele origin: unknown. Not counted in ClinVar's aggregate classification.

Women's Health and Genetics/Laboratory Corporation of America, LabCorp
Classification: Pathogenic for Glycogen storage disease, type II. Last evaluated: 2020-01-31. Review status: criteria provided, single submitter. Criteria: LabCorp Variant Classification Summary - May 2015. Collection method: clinical testing. Allele origin: germline. Not counted in ClinVar's aggregate classification.
Comment: Variant summary: GAA c.2219_2220delTG (p.Val740GlyfsX55) results in a premature termination codon, predicted to cause a truncation of the encoded protein or absence of the protein due to nonsense mediated decay, which are commonly known mechanisms for disease. Truncations downstream of this position have been classified as pathogenic by our laboratory. The variant was absent in 250916 control chromosomes. c.2219_2220delTG has been reported in the literature in individuals affected with Glycogen Storage Disease, Type 2 (Pompe Disease) to include at-least one study reporting the clinical characteristics and genotypes of patients enrolled in a clinical trial for recombinant human GAA, namely, alglucodisase alfa (NCT01526785) (example, Montalvo_2006, Remiche_2014, Reuser_2019, Kishnani_2019). These data indicate that the variant is likely to be associated with disease. To our knowledge, no experimental evidence demonstrating an impact on protein function has been reported. No clinical diagnostic laboratories have submitted clinical-significance assessments for this variant to ClinVar after 2014. Based on the evidence outlined above, the variant was classified as pathogenic.

Natera, Inc.
Classification: Pathogenic for Glycogen storage disease type II. Last evaluated: 2020-10-21. Review status: no assertion criteria provided. Collection method: clinical testing. Allele origin: germline. Not counted in ClinVar's aggregate classification.

Literature cited by the submitters: PubMed 34734785 (cited by Genomenon, Inc); PubMed 33073003 (cited by Genomenon, Inc); PubMed 32248831 (cited by Genomenon, Inc); PubMed 31899940 (cited by Genomenon, Inc); PubMed 24158270 (cited by Genomenon, Inc and Women's Health and Genetics/Laboratory Corporation of America, LabCorp); PubMed 25783438 (cited by Genomenon, Inc); PubMed 21179524 (cited by Genomenon, Inc); PubMed 18285536 (cited by Genomenon, Inc); PubMed 18425781 (cited by Labcorp Genetics (formerly Invitae), Labcorp); PubMed 22252923 (cited by Labcorp Genetics (formerly Invitae), Labcorp); PubMed 16917947 (cited by Labcorp Genetics (formerly Invitae), Labcorp and Women's Health and Genetics/Laboratory Corporation of America, LabCorp); PubMed 31342611 (cited by Women's Health and Genetics/Laboratory Corporation of America, LabCorp); PubMed 31086307 (cited by Women's Health and Genetics/Laboratory Corporation of America, LabCorp).

NM_000152.5(GAA):c.2219_2220del (p.Val740fs)

Gene: GAA (alpha glucosidase; plus strand). Cytogenetic location: 17q25.3.
Variant type: Microsatellite.
Coding change: c.2219_2220del on transcript NM_000152.5 (MANE Select); coding-DNA positions 2219 to 2220, 2 bases deleted (TG; older notation c.2219_2220delTG).
Protein change: p.Val740fs; shifts the reading frame from valine 740.
Molecular consequence: frameshift variant.
Genome position (GRCh38, 1-based): chr17:80,116,997-80,116,998, TG deleted; deleting any 2 consecutive bases within chr17:80,116,995-80,116,998 gives the same sequence; the c. name uses the placement nearest the transcript's 3' end. VCF-style (leftmost placement, unchanged base first): chr17-80116994-CTG-C. GRCh37 (hg19) VCF-style: chr17-78090793-CTG-C.
Other names: NM_000152.5(GAA):c.2219_2220del; p.Val740fs; c.2219_2220del, p.Val740fs (NM_001079803.3, NM_001079804.3); short protein forms V740fs.
Identifiers: ClinVar variation 917665 (VCV000917665.12), dbSNP rs2039364779, ClinGen allele CA658795278.